The following is an entry in ClinVar:

ClinVar aggregate classification (germline): Pathogenic. Review status: criteria provided, multiple submitters, no conflicts (2 of 4 stars). 2 submissions from 2 submitters: Pathogenic (2). Last evaluated 2024-02-14.

Conditions:
Hereditary cancer-predisposing syndrome. Also called: Neoplastic Syndromes, Hereditary; Hereditary neoplastic syndrome; Tumor predisposition; Hereditary Cancer Syndrome. Identifiers: Orphanet 140162, MedGen C0027672, MeSH D009386, MONDO:0015356.
Hereditary breast ovarian cancer syndrome. Also called: Hereditary breast and/or ovarian cancer syndrome; Hereditary breast and ovarian cancer; Hereditary breast and ovarian cancer syndrome; Breast and ovarian cancer; Hereditary breast and ovarian cancer syndrome (HBOC); BRCA1- and BRCA2-Associated Hereditary Breast and Ovarian Cancer. Identifiers: Orphanet 145, MedGen C0677776, MeSH D061325, MONDO:0003582. Disease mechanism: loss of function.

Submissions (2):

Ambry Genetics
Classification: Pathogenic for Hereditary cancer-predisposing syndrome. Last evaluated: 2024-02-14. Review status: criteria provided, single submitter. Criteria: Ambry Variant Classification Scheme 2023. Collection method: clinical testing. Allele origin: germline.
Comment: The c.4467dupA pathogenic mutation, located in coding exon 12 of the BRCA1 gene, results from a duplication of A at nucleotide position 4467, causing a translational frameshift with a predicted alternate stop codon (p.E1490Rfs*11). This variant is considered to be rare based on population cohorts in the Genome Aggregation Database (gnomAD). This alteration is expected to result in loss of function by premature protein truncation or nonsense-mediated mRNA decay. As such, this alteration is interpreted as a disease-causing mutation.

Labcorp Genetics (formerly Invitae), Labcorp
Classification: Pathogenic for Hereditary breast ovarian cancer syndrome. Last evaluated: 2023-10-04. Review status: criteria provided, single submitter. Criteria: Invitae Variant Classification Sherloc (09022015). Collection method: clinical testing. Allele origin: germline.
Comment: This sequence change creates a premature translational stop signal (p.Glu1490Argfs*11) in the BRCA1 gene. It is expected to result in an absent or disrupted protein product. Loss-of-function variants in BRCA1 are known to be pathogenic (PMID: 20104584). This variant is not present in population databases (gnomAD no frequency). This variant has not been reported in the literature in individuals affected with BRCA1-related conditions. For these reasons, this variant has been classified as Pathogenic.

Literature cited by the submitters: PubMed 20104584 (cited by Labcorp Genetics (formerly Invitae), Labcorp).

NM_007294.4(BRCA1):c.4467dup (p.Glu1490fs)

Gene: BRCA1 (BRCA1 DNA repair associated; minus strand). Cytogenetic location: 17q21.31.
Variant type: Duplication.
Coding change: c.4467dup on transcript NM_007294.4 (MANE Select); coding-DNA position 4467, one base duplicated (A; older notation c.4467dupA).
Protein change: p.Glu1490fs; shifts the reading frame from glutamic acid 1490.
Molecular consequence: frameshift variant. On other transcripts: intron variant (3).
Genome position (GRCh38, 1-based): chr17:43,076,505, T duplicated on the plus strand (A on the coding strand, the reverse complement: BRCA1 is on the minus strand); the first of 3 consecutive T bases (chr17:43,076,505-43,076,507); duplicating any one gives the same sequence. VCF-style (leftmost placement, unchanged base first): chr17-43076504-C-CT. GRCh37 (hg19) VCF-style: chr17-41228521-C-CT.
Other names: c.945dup, p.Glu316fs (NM_001408483.1, NM_001408484.1, NM_001408485.1 and 5 more transcripts); c.1158dup, p.Glu387fs (NM_001407973.1, NM_001407974.1, NM_001407975.1 and 3 more transcripts); c.1155dup, p.Glu386fs (NM_001407991.1, NM_001407984.1, NM_001407985.1 and 12 more transcripts); c.942dup, p.Glu315fs (NM_001408493.1, NM_001408492.1); c.1041dup, p.Glu348fs (NM_001408418.1, NM_001408419.1, NM_001408420.1); c.1038dup, p.Glu347fs (NM_001408421.1, NM_001408422.1, NM_001408423.1 and 1 more transcripts); c.1035dup, p.Glu346fs (NM_001408425.1, NM_001408426.1, NM_001408427.1 and 4 more transcripts); c.1032dup, p.Glu345fs (NM_001408432.1, NM_001408433.1, NM_001408434.1 and 10 more transcripts); and 73 more; short protein forms E305fs, E307fs, E316fs, E320fs, E339fs, E348fs, E1193fs, E1361fs.
Identifiers: ClinVar variation 2822262 (VCV002822262.4), dbSNP rs2154059325, ClinGen allele CA1139768279.